The following is an entry in ClinVar:

NM_000135.4(FANCA):c.1294C>G (p.Leu432Val)

Gene: FANCA (FA complementation group A; minus strand). Cytogenetic location: 16q24.3.
Variant type: single nucleotide variant.
Coding change: c.1294C>G on transcript NM_000135.4 (MANE Select); coding-DNA position 1294, C replaced by G.
Protein change: p.Leu432Val; replaces leucine 432 with valine.
Molecular consequence: missense variant.
Genome position (GRCh38, 1-based): chr16:89,791,468, G>C on the plus strand (C>G on the coding strand, the complement: FANCA is on the minus strand). VCF-style: chr16-89791468-G-C. GRCh37 (hg19) VCF-style: chr16-89857876-G-C.
Other names: c.1294C>G, p.Leu432Val (NM_001286167.3); short protein forms L432V.
Identifiers: ClinVar variation 4870926 (VCV004870926.1).

ClinVar aggregate classification (germline): Uncertain significance (1 of 4 stars; one submission).

Conditions:
Inborn genetic diseases. Identifiers: MedGen C0950123, MeSH D030342.

gnomAD v4.1: 1 of 1,614,158 alleles (0.000062%); highest among the groups gnomAD compares: Non-Finnish European, 0.000085%; no homozygotes.

Submission:

Ambry Genetics
Classification: Uncertain significance for Inborn genetic diseases. Last evaluated: 2026-06-13. Review status: criteria provided, single submitter. Criteria: Ambry Variant Classification Scheme 2023. Collection method: clinical testing. Allele origin: germline.
Comment: The p.L432V variant (also known as c.1294C>G), located in coding exon 14 of the FANCA gene, results from a C to G substitution at nucleotide position 1294. The leucine at codon 432 is replaced by valine, an amino acid with highly similar properties. This amino acid position is conserved. In addition, this alteration is predicted to be deleterious by in silico analysis. Based on the available evidence, the clinical significance of this variant remains unclear.